The following is an entry in ClinVar:

NM_001710.6(CFB):c.1587T>A (p.Thr529=)

Gene: CFB (complement factor B; plus strand). Cytogenetic location: 6p21.33.
Variant type: single nucleotide variant.
Coding change: c.1587T>A on transcript NM_001710.6 (MANE Select); coding-DNA position 1587, T replaced by A.
Protein change: p.Thr529=; no amino-acid change (threonine 529 retained).
Molecular consequence: synonymous variant.
Genome position (GRCh38, 1-based): chr6:31,950,366, T>A. VCF-style: chr6-31950366-T-A. GRCh37 (hg19) VCF-style: chr6-31918143-T-A.
Identifiers: ClinVar variation 1399317 (VCV001399317.8), dbSNP rs1232078667, ClinGen allele CA449812034.

ClinVar aggregate classification (germline): Uncertain significance (1 of 4 stars; one submission).

Allele frequency attached by ClinVar (database versions not stated): gnomAD 0.00001; TOPMed 0.00001.
gnomAD v4.1: 1 of 1,612,972 alleles (0.000062%); highest among the groups gnomAD compares: African/African-American, 0.0013%; no homozygotes.

Submission:

Labcorp Genetics (formerly Invitae), Labcorp
Classification: Uncertain significance. Last evaluated: 2022-07-06. Review status: criteria provided, single submitter. Criteria: Invitae Variant Classification Sherloc (09022015). Collection method: clinical testing. Allele origin: germline.
Comment: In summary, the available evidence is currently insufficient to determine the role of this variant in disease. Therefore, it has been classified as a Variant of Uncertain Significance. Algorithms developed to predict the effect of sequence changes on RNA splicing suggest that this variant may create or strengthen a splice site. ClinVar contains an entry for this variant (Variation ID: 1399317). This variant has not been reported in the literature in individuals affected with CFB-related conditions. This variant is present in population databases (no rsID available, gnomAD 0.01%). This sequence change affects codon 529 of the CFB mRNA. It is a 'silent' change, meaning that it does not change the encoded amino acid sequence of the CFB protein.